The following is an entry in ClinVar:

NM_032409.3(PINK1):c.184G>C (p.Gly62Arg)

Genes: MIR6084 (microRNA 6084; plus strand), PINK1 (PTEN induced kinase 1; plus strand). Cytogenetic location: 1p36.12.
Variant type: single nucleotide variant.
Coding change: c.184G>C on transcript NM_032409.3 (MANE Select); coding-DNA position 184, G replaced by C.
Protein change: p.Gly62Arg; replaces glycine 62 with arginine.
Molecular consequence: missense variant. On other transcripts: non-coding transcript variant (1).
Genome position (GRCh38, 1-based): chr1:20,633,732, G>C. VCF-style: chr1-20633732-G-C. GRCh37 (hg19) VCF-style: chr1-20960225-G-C.
Other names: short protein forms G62R.
Identifiers: ClinVar variation 1927618 (VCV001927618.4), dbSNP rs759968468, ClinGen allele CA660342.
Genomic context (GRCh38, chr1:20,633,732, plus strand): 5'-CGCGGGGAGCGTCCAGGCTGGGCCGCAGGACCGGGCGCGGAGCCTCGCAGGGTCGGGCTC[G>C]GGCTCCCTAACCGTCTCCGCTTCTTCCGCCAGTCGGTGGCCGGGCTGGCGGCGCGGTTGC-3'
Protein context (NP_115785.1, residues 52-72): PGAEPRRVGL[Gly62Arg]LPNRLRFFRQ

ClinVar aggregate classification (germline): Uncertain significance. Review status: criteria provided, multiple submitters, no conflicts (2 of 4 stars). 2 submissions from 2 submitters: Uncertain significance (2). Last evaluated 2025-11-05.

Conditions:
Inborn genetic diseases. Identifiers: MedGen C0950123, MeSH D030342.
Autosomal recessive early-onset Parkinson disease 6 (PARK6). Also called: PINK1-Related Parkinson Disease; PARKINSON DISEASE 6, MODIFIER OF; PARKINSON DISEASE 6, EARLY-ONSET; PINK1 Type of Young-Onset Parkinson Disease. Identifiers: Orphanet 2828, MedGen C1853833, MONDO:0011613, OMIM 605909.

Allele frequency attached by ClinVar (database versions not stated): gnomAD exomes 0.00002; ExAC 0.00009; 1000 Genomes Project 30x 0.00016; gnomAD 0.00017; TOPMed 0.00023.
gnomAD v4.1: 50 of 1,534,422 alleles (0.0033%); highest among the groups gnomAD compares: African/African-American, 0.062%; no homozygotes.

Submissions (2):

Ambry Genetics
Classification: Uncertain significance for Inborn genetic diseases. Last evaluated: 2025-11-05. Review status: criteria provided, single submitter. Criteria: Ambry Variant Classification Scheme 2023. Collection method: clinical testing. Allele origin: germline.

Labcorp Genetics (formerly Invitae), Labcorp
Classification: Uncertain significance for Autosomal recessive early-onset Parkinson disease 6. Last evaluated: 2022-07-11. Review status: criteria provided, single submitter. Criteria: Invitae Variant Classification Sherloc (09022015). Collection method: clinical testing. Allele origin: germline.
Comment: This sequence change replaces glycine, which is neutral and non-polar, with arginine, which is basic and polar, at codon 62 of the PINK1 protein (p.Gly62Arg). This variant is present in population databases (rs759968468, gnomAD 0.07%). This variant has not been reported in the literature in individuals affected with PINK1-related conditions. Algorithms developed to predict the effect of missense changes on protein structure and function output the following: SIFT: "Tolerated"; PolyPhen-2: "Benign"; Align-GVGD: "Class C0". The arginine amino acid residue is found in multiple mammalian species, which suggests that this missense change does not adversely affect protein function. In summary, the available evidence is currently insufficient to determine the role of this variant in disease. Therefore, it has been classified as a Variant of Uncertain Significance.